The following is an entry in ClinVar:

NM_000488.4(SERPINC1):c.438_439del (p.Lys146fs)

Gene: SERPINC1 (serpin family C member 1; minus strand). Cytogenetic location: 1q25.1.
Variant type: Deletion.
Coding change: c.438_439del on transcript NM_000488.4 (MANE Select); coding-DNA positions 438 to 439, 2 bases deleted (AA; older notation c.438_439delAA).
Protein change: p.Lys146fs; shifts the reading frame from lysine 146.
Molecular consequence: frameshift variant. On other transcripts: intron variant (1).
Genome position (GRCh38, 1-based): chr1:173,911,984-173,911,985, TT deleted on the plus strand (AA on the coding strand, the reverse complement: SERPINC1 is on the minus strand); deleting any 2 consecutive bases within chr1:173,911,984-173,911,987 gives the same sequence; the c. name uses the placement nearest the transcript's 3' end. VCF-style (leftmost placement, unchanged base first): chr1-173911983-GTT-G. GRCh37 (hg19) VCF-style: chr1-173881121-GTT-G.
Other names: c.294_295del, p.Lys98fs (NM_001365052.2); c.438_439del, p.Lys146fs (NM_001386302.1, NM_001386304.1, NM_001386305.1); c.519_520del, p.Lys173fs (NM_001386303.1); c.409-1094_409-1093del (NM_001386306.1); short protein forms K146fs, K98fs, K173fs.
Identifiers: ClinVar variation 4734155 (VCV004734155.1).

ClinVar aggregate classification (germline): Pathogenic (1 of 4 stars; one submission).

Conditions:
Hereditary antithrombin deficiency (AT3D). Also called: Antithrombin deficiency; Thrombophilia due to antithrombin III deficiency; Antithrombin III deficiency; Reduced antithrombin III activity. Identifiers: Orphanet 82, MedGen C0272375, MONDO:0013144, OMIM 613118, HP:0001976.

Submission:

Labcorp Genetics (formerly Invitae), Labcorp
Classification: Pathogenic for Hereditary antithrombin deficiency. Last evaluated: 2025-12-26. Review status: criteria provided, single submitter. Criteria: Invitae Variant Classification Sherloc (09022015). Collection method: clinical testing. Allele origin: germline.
Comment: This sequence change creates a premature translational stop signal (p.Lys146Asnfs*3) in the SERPINC1 gene. It is expected to result in an absent or disrupted protein product. Loss-of-function variants in SERPINC1 are known to be pathogenic (PMID: 21264449). This variant is not present in population databases (gnomAD no frequency). This variant has not been reported in the literature in individuals affected with SERPINC1-related conditions. For these reasons, this variant has been classified as Pathogenic.

Literature cited by the submitters: PubMed 21264449.